The following is an entry in ClinVar:

ClinVar aggregate classification (germline): Uncertain significance. Review status: criteria provided, multiple submitters, no conflicts (2 of 4 stars). 3 submissions from 3 submitters: Uncertain significance (3). Last evaluated 2025-02-10.

Conditions:
Cardiovascular phenotype. Identifiers: MedGen CN230736.

Allele frequency attached by ClinVar (database versions not stated): gnomAD exomes below 0.00001; gnomAD 0.00003; TOPMed 0.00003.
gnomAD v4.1: 12 of 1,534,268 alleles (0.00078%); highest among the groups gnomAD compares: Admixed American, 0.012%; no homozygotes.

Submissions (3):

Ambry Genetics
Classification: Uncertain significance for Cardiovascular phenotype. Last evaluated: 2025-02-10. Review status: criteria provided, single submitter. Criteria: Ambry Variant Classification Scheme 2023. Collection method: clinical testing. Allele origin: germline.
Comment: The p.R921Q variant (also known as c.2762G>A), located in coding exon 1 of the ZNF469 gene, results from a G to A substitution at nucleotide position 2762. The arginine at codon 921 is replaced by glutamine, an amino acid with highly similar properties. This amino acid position is conserved. In addition, this alteration is predicted to be tolerated by in silico analysis. Since supporting evidence is limited at this time, the clinical significance of this alteration remains unclear.

GeneDx
Classification: Uncertain significance. Last evaluated: 2024-07-28. Review status: criteria provided, single submitter. Criteria: GeneDx Variant Classification Process June 2021. Collection method: clinical testing. Allele origin: germline. Affected: yes.
Comment: Has not been previously published as pathogenic or benign to our knowledge; Not observed at significant frequency in large population cohorts (gnomAD); In silico analysis indicates that this missense variant does not alter protein structure/function

Labcorp Genetics (formerly Invitae), Labcorp
Classification: Uncertain significance. Last evaluated: 2024-04-05. Review status: criteria provided, single submitter. Criteria: Invitae Variant Classification Sherloc (09022015). Collection method: clinical testing. Allele origin: germline.
Comment: This sequence change replaces arginine, which is basic and polar, with glutamine, which is neutral and polar, at codon 921 of the ZNF469 protein (p.Arg921Gln). This variant is present in population databases (no rsID available, gnomAD no frequency). This variant has not been reported in the literature in individuals affected with ZNF469-related conditions. ClinVar contains an entry for this variant (Variation ID: 2412236). Algorithms developed to predict the effect of missense changes on protein structure and function output the following: SIFT: "Not Available"; PolyPhen-2: "Benign"; Align-GVGD: "Not Available". The glutamine amino acid residue is found in multiple mammalian species, which suggests that this missense change does not adversely affect protein function. In summary, the available evidence is currently insufficient to determine the role of this variant in disease. Therefore, it has been classified as a Variant of Uncertain Significance.

NM_001367624.2(ZNF469):c.2762G>A (p.Arg921Gln)

Gene: ZNF469 (zinc finger protein 469; plus strand). Cytogenetic location: 16q24.2.
Variant type: single nucleotide variant.
Coding change: c.2762G>A on transcript NM_001367624.2 (MANE Select); coding-DNA position 2762, G replaced by A.
Protein change: p.Arg921Gln; replaces arginine 921 with glutamine.
Molecular consequence: missense variant.
Genome position (GRCh38, 1-based): chr16:88,430,232, G>A. VCF-style: chr16-88430232-G-A. GRCh37 (hg19) VCF-style: chr16-88496640-G-A.
Other names: NM_001127464.1:c.2762G>A; short protein forms R921Q.
Identifiers: ClinVar variation 2412236 (VCV002412236.5), dbSNP rs936028681, ClinGen allele CA286374116.